The following is an entry in ClinVar:

ClinVar aggregate classification (germline): Uncertain significance (1 of 4 stars; one submission).

Conditions:
Hereditary cancer-predisposing syndrome. Also called: Neoplastic Syndromes, Hereditary; Tumor predisposition; Hereditary Cancer Syndrome; Hereditary neoplastic syndrome. Identifiers: Orphanet 140162, MedGen C0027672, MeSH D009386, MONDO:0015356.

Submission:

Ambry Genetics
Classification: Uncertain significance for Hereditary cancer-predisposing syndrome. Last evaluated: 2025-10-17. Review status: criteria provided, single submitter. Criteria: Ambry Variant Classification Scheme 2023. Collection method: clinical testing. Allele origin: germline.
Comment: The p.V451G variant (also known as c.1352T>G), located in coding exon 11 of the CHEK2 gene, results from a T to G substitution at nucleotide position 1352. The valine at codon 451 is replaced by glycine, an amino acid with dissimilar properties. This amino acid position is conserved. In addition, this alteration is predicted to be tolerated by in silico analysis. Based on the available evidence, the clinical significance of this variant remains unclear.

NM_007194.4(CHEK2):c.1352T>G (p.Val451Gly)

Gene: CHEK2 (checkpoint kinase 2; minus strand). Cytogenetic location: 22q12.1.
Variant type: single nucleotide variant.
Coding change: c.1352T>G on transcript NM_007194.4 (MANE Select); coding-DNA position 1352, T replaced by G.
Protein change: p.Val451Gly; replaces valine 451 with glycine.
Molecular consequence: missense variant.
Genome position (GRCh38, 1-based): chr22:28,695,150, A>C on the plus strand (T>G on the coding strand, the complement: CHEK2 is on the minus strand). VCF-style: chr22-28695150-A-C. GRCh37 (hg19) VCF-style: chr22-29091138-A-C.
Other names: c.1481T>G, p.Val494Gly (NM_001005735.3); c.689T>G, p.Val230Gly (NM_001257387.3, NM_001437942.1); c.1151T>G, p.Val384Gly (NM_001349956.3); c.1445T>G, p.Val482Gly (NM_001438293.1); c.1394T>G, p.Val465Gly (NM_001438294.1); c.1358T>G, p.Val453Gly (NM_001438295.1); c.1265T>G, p.Val422Gly (NM_145862.3); short protein forms V384G, V422G, V453G, V482G, V494G, V451G, V465G, V230G.
Identifiers: ClinVar variation 4634845 (VCV004634845.1).